The following is an entry in ClinVar:

ClinVar aggregate classification (germline): Uncertain significance (0 of 4 stars; one submission).

Conditions:
VWF-related disorder. Also called: VWF-related disorders; VWF-related condition.

gnomAD v4.1: 7 of 1,614,232 alleles (0.00043%); highest among the groups gnomAD compares: African/African-American, 0.008%; no homozygotes.

Submission:

PreventionGenetics, part of Exact Sciences
Classification: Uncertain significance for VWF-related condition. Last evaluated: 2024-03-04. Review status: no assertion criteria provided. Collection method: clinical testing. Allele origin: germline.
Comment: The VWF c.126C>G variant is predicted to result in the amino acid substitution p.Phe42Leu. To our knowledge, this variant has not been reported in the literature or in a large population database, indicating this variant is rare. At this time, the clinical significance of this variant is uncertain due to the absence of conclusive functional and genetic evidence.

NM_000552.5(VWF):c.126C>G (p.Phe42Leu)

Gene: VWF (von Willebrand factor; minus strand). Cytogenetic location: 12p13.31.
Variant type: single nucleotide variant.
Coding change: c.126C>G on transcript NM_000552.5 (MANE Select); coding-DNA position 126, C replaced by G.
Protein change: p.Phe42Leu; replaces phenylalanine 42 with leucine.
Molecular consequence: missense variant.
Genome position (GRCh38, 1-based): chr12:6,121,268, G>C on the plus strand (C>G on the coding strand, the complement: VWF is on the minus strand). VCF-style: chr12-6121268-G-C. GRCh37 (hg19) VCF-style: chr12-6230434-G-C.
Other names: short protein forms F42L.
Identifiers: ClinVar variation 3057671 (VCV003057671.2), dbSNP rs200710351, ClinGen allele CA232319470.